The following is an entry in ClinVar:

ClinVar aggregate classification (germline): Pathogenic/Likely pathogenic. Review status: criteria provided, multiple submitters, no conflicts (2 of 4 stars). 2 submissions from 2 submitters: Pathogenic (1); Likely pathogenic (1). Last evaluated 2023-07-25.

Conditions:
Pituitary adenoma 5, multiple types. Identifiers: MedGen C4539685, MONDO:0054601, OMIM 617540.

Submissions (2):

Labcorp Genetics (formerly Invitae), Labcorp
Classification: Pathogenic. Last evaluated: 2023-07-25. Review status: criteria provided, single submitter. Criteria: Invitae Variant Classification Sherloc (09022015). Collection method: clinical testing. Allele origin: germline.
Comment: For these reasons, this variant has been classified as Pathogenic. This variant has not been reported in the literature in individuals affected with CDH23-related conditions. This variant is not present in population databases (gnomAD no frequency). This sequence change creates a premature translational stop signal (p.Leu2315Hisfs*9) in the CDH23 gene. It is expected to result in an absent or disrupted protein product. Loss-of-function variants in CDH23 are known to be pathogenic (PMID: 11138009, 21940737).

Baylor Genetics
Classification: Likely pathogenic for Pituitary adenoma 5, multiple types. Last evaluated: 2023-03-27. Review status: criteria provided, single submitter. Criteria: ACMG Guidelines, 2015. Collection method: clinical testing. Allele origin: unknown.

Literature cited by the submitters: PubMed 11138009 (cited by Labcorp Genetics (formerly Invitae), Labcorp); PubMed 21940737 (cited by Labcorp Genetics (formerly Invitae), Labcorp).

NM_022124.6(CDH23):c.6944_6945del (p.Leu2315fs)

Gene: CDH23 (cadherin related 23; plus strand). Cytogenetic location: 10q22.1.
Variant type: Deletion.
Coding change: c.6944_6945del on transcript NM_022124.6 (MANE Select); coding-DNA positions 6944 to 6945, 2 bases deleted (TC; older notation c.6944_6945delTC).
Protein change: p.Leu2315fs; shifts the reading frame from leucine 2315.
Molecular consequence: frameshift variant.
Genome position (GRCh38, 1-based): chr10:71,798,468-71,798,469, TC deleted; deleting any 2 consecutive bases within chr10:71,798,467-71,798,469 gives the same sequence; the c. name uses the placement nearest the transcript's 3' end. VCF-style (leftmost placement, unchanged base first): chr10-71798466-ACT-A. GRCh37 (hg19) VCF-style: chr10-73558223-ACT-A.
Other names: c.224_225del, p.Leu75fs (NM_001171933.1, NM_001171934.1); short protein forms L2315fs, L75fs.
Identifiers: ClinVar variation 2680495 (VCV002680495.4), dbSNP rs2494400346, ClinGen allele CA2695199540.
Genomic context (GRCh38, chr10:71,798,466, plus strand): 5'-GCCCTTTGGGATCACCTACTACATGGAGCGGATCCTGGAGGGGGCCACCCCTGGGACCAC[ACT>A]CATTGCTGTGGCAGCCGTGGACCCTGACAAGGGCCTTAATGGGCTGGTCACCTACACCCT-3'